The following is an entry in ClinVar:

ClinVar aggregate classification (germline): Uncertain significance. Review status: criteria provided, multiple submitters, no conflicts (2 of 4 stars). 2 submissions from 2 submitters: Uncertain significance (2). Last evaluated 2024-10-03.

Conditions:
Inborn genetic diseases. Identifiers: MedGen C0950123, MeSH D030342.

Allele frequency attached by ClinVar (database versions not stated): gnomAD exomes below 0.00001; gnomAD 0.00001; TOPMed 0.00004; 1000 Genomes Project 30x 0.00016; 1000 Genomes Project 0.00020.
gnomAD v4.1: 8 of 1,585,870 alleles (0.0005%); highest among the groups gnomAD compares: African/African-American, 0.0096%; no homozygotes.

Submissions (2):

Labcorp Genetics (formerly Invitae), Labcorp
Classification: Uncertain significance. Last evaluated: 2024-10-03. Review status: criteria provided, single submitter. Criteria: Invitae Variant Classification Sherloc (09022015). Collection method: clinical testing. Allele origin: germline.
Comment: This sequence change replaces glycine, which is neutral and non-polar, with aspartic acid, which is acidic and polar, at codon 1544 of the APC2 protein (p.Gly1544Asp). This variant is not present in population databases (gnomAD no frequency). This variant has not been reported in the literature in individuals affected with APC2-related conditions. Invitae Evidence Modeling of protein sequence and biophysical properties (such as structural, functional, and spatial information, amino acid conservation, physicochemical variation, residue mobility, and thermodynamic stability) indicates that this missense variant is not expected to disrupt APC2 protein function with a negative predictive value of 80%. In summary, the available evidence is currently insufficient to determine the role of this variant in disease. Therefore, it has been classified as a Variant of Uncertain Significance.

Ambry Genetics
Classification: Uncertain significance for Inborn genetic diseases. Last evaluated: 2024-02-27. Review status: criteria provided, single submitter. Criteria: Ambry Variant Classification Scheme 2023. Collection method: clinical testing. Allele origin: germline.

NM_005883.3(APC2):c.4631G>A (p.Gly1544Asp)

Gene: APC2 (APC regulator of Wnt signaling pathway 2; plus strand). Cytogenetic location: 19p13.3.
Variant type: single nucleotide variant.
Coding change: c.4631G>A on transcript NM_005883.3 (MANE Select); coding-DNA position 4631, G replaced by A.
Protein change: p.Gly1544Asp; replaces glycine 1544 with aspartic acid.
Molecular consequence: missense variant.
Genome position (GRCh38, 1-based): chr19:1,467,932, G>A. VCF-style: chr19-1467932-G-A. GRCh37 (hg19) VCF-style: chr19-1467931-G-A.
Other names: c.4628G>A, p.Gly1543Asp (NM_001351273.1); short protein forms G1543D, G1544D.
Identifiers: ClinVar variation 3127741 (VCV003127741.3), dbSNP rs576185165, ClinGen allele CA9045877.